The following is an entry in ClinVar:

NM_003124.5(SPR):c.328G>C (p.Gly110Arg)

Gene: SPR (sepiapterin reductase; plus strand). Cytogenetic location: 2p13.2.
Variant type: single nucleotide variant.
Coding change: c.328G>C on transcript NM_003124.5 (MANE Select); coding-DNA position 328, G replaced by C.
Protein change: p.Gly110Arg; replaces glycine 110 with arginine.
Molecular consequence: missense variant.
Genome position (GRCh38, 1-based): chr2:72,888,337, G>C. VCF-style: chr2-72888337-G-C. GRCh37 (hg19) VCF-style: chr2-73115466-G-C.
Other names: short protein forms G110R.
Identifiers: ClinVar variation 455979 (VCV000455979.12), dbSNP rs201651366, ClinGen allele CA1708934.

ClinVar aggregate classification (germline): Uncertain significance. Review status: criteria provided, multiple submitters, no conflicts (2 of 4 stars). 4 submissions from 4 submitters: Uncertain significance (4). Last evaluated 2025-08-22.

Conditions:
Dopa-responsive dystonia due to sepiapterin reductase deficiency. Also called: SPR DEFICIENCY; Sepiapterin reductase deficiency; DYT-SPR. Identifiers: Orphanet 70594, MedGen C0268468, MONDO:0012994, OMIM 612716.
Inborn genetic diseases. Identifiers: MedGen C0950123, MeSH D030342.
Dystonic disorder. Also called: Dystonia. Identifiers: MedGen C0013421, MONDO:0003441, HP:0001332.

Allele frequency attached by ClinVar (database versions not stated): gnomAD 0.00006 and 0.00007; ESP Exome Variant Server 0.00008; gnomAD exomes 0.00010 and 0.00014; ExAC 0.00012; TOPMed 0.00012; 1000 Genomes Project 30x 0.00031; 1000 Genomes Project 0.00040.

Submissions (4):

Ambry Genetics
Classification: Uncertain significance for Inborn genetic diseases. Last evaluated: 2025-08-22. Review status: criteria provided, single submitter. Criteria: Ambry Variant Classification Scheme 2023. Collection method: clinical testing. Allele origin: germline.

Labcorp Genetics (formerly Invitae), Labcorp
Classification: Uncertain significance for Dystonic disorder. Last evaluated: 2024-11-11. Review status: criteria provided, single submitter. Criteria: Invitae Variant Classification Sherloc (09022015). Collection method: clinical testing. Allele origin: germline.
Comment: This sequence change replaces glycine, which is neutral and non-polar, with arginine, which is basic and polar, at codon 110 of the SPR protein (p.Gly110Arg). This variant is present in population databases (rs201651366, gnomAD 0.04%). This variant has not been reported in the literature in individuals affected with SPR-related conditions. ClinVar contains an entry for this variant (Variation ID: 455979). Invitae Evidence Modeling of protein sequence and biophysical properties (such as structural, functional, and spatial information, amino acid conservation, physicochemical variation, residue mobility, and thermodynamic stability) indicates that this missense variant is not expected to disrupt SPR protein function with a negative predictive value of 80%. In summary, the available evidence is currently insufficient to determine the role of this variant in disease. Therefore, it has been classified as a Variant of Uncertain Significance.

GeneDx
Classification: Uncertain significance. Last evaluated: 2022-06-22. Review status: criteria provided, single submitter. Criteria: GeneDx Variant Classification Process June 2021. Collection method: clinical testing. Allele origin: germline. Affected: yes.
Comment: In silico analysis supports that this missense variant does not alter protein structure/function; Has not been previously published as pathogenic or benign to our knowledge

Illumina Laboratory Services, Illumina
Classification: Uncertain significance for Dopa-responsive dystonia due to sepiapterin reductase deficiency. Last evaluated: 2018-01-13. Review status: criteria provided, single submitter. Criteria: ICSL Variant Classification Criteria 13 December 2019. Collection method: clinical testing. Allele origin: germline.